The following is an entry in ClinVar:

NM_001110556.2(FLNA):c.1330T>C (p.Cys444Arg)

Gene: FLNA (filamin A; minus strand). Cytogenetic location: Xq28.
Variant type: single nucleotide variant.
Coding change: c.1330T>C on transcript NM_001110556.2 (MANE Select); coding-DNA position 1330, T replaced by C.
Protein change: p.Cys444Arg; replaces cysteine 444 with arginine.
Molecular consequence: missense variant.
Genome position (GRCh38, 1-based): chrX:154,366,123, A>G on the plus strand (T>C on the coding strand, the complement: FLNA is on the minus strand). VCF-style: chrX-154366123-A-G. GRCh37 (hg19) VCF-style: chrX-153594491-A-G.
Other names: c.1330T>C, p.Cys444Arg (NM_001456.4); short protein forms C444R.
Identifiers: ClinVar variation 450275 (VCV000450275.7), dbSNP rs1557179178, ClinGen allele CA415243813.
Genomic context (GRCh38, chrX:154,366,123, plus strand): 5'-GCACGCCGGCAAACGTGACGTGCACGGTGTGGACGCCCTCCATGGTGGGCTGGTAGCTGC[A>G]GCGGTATGTGCTGTCGCCCCGGGCCTCCAGCTGAGGCTCTACCGTGCCCTTCTGTCCCAT-3'
Protein context (NP_001104026.1, residues 434-454): LEARGDSTYR[Cys444Arg]SYQPTMEGVH

ClinVar aggregate classification (germline): Uncertain significance. Review status: criteria provided, multiple submitters, no conflicts (2 of 4 stars). 2 submissions from 2 submitters: Uncertain significance (2). Last evaluated 2023-05-08.

Conditions:
Heterotopia, periventricular, X-linked dominant (PVNH1). Also called: PERIVENTRICULAR NODULAR HETEROTOPIA 1; X-linked periventricular heterotopia; PERIVENTRICULAR NODULAR HETEROTOPIA 4; HETEROTOPIA, PERIVENTRICULAR, 1. Identifiers: Orphanet 2149, Orphanet 82004, MedGen C1848213, MONDO:0010233, OMIM 300049.
Oto-palato-digital syndrome, type II (OPD2). Also called: FACIOPALATOOSSEOUS SYNDROME; OPD II SYNDROME; Otopalatodigital Syndrome Type 2 (FLNA-OPD2); Otopalatodigital Syndrome, Type II. Identifiers: Orphanet 669, Orphanet 90652, MedGen C1844696, MONDO:0010571, OMIM 304120.
Frontometaphyseal dysplasia (FMD1). Identifiers: Orphanet 1826, MedGen C0265293, MONDO:0015942.
Melnick-Needles syndrome (MNS). Also called: MELNICK-NEEDLES OSTEODYSPLASTY; OSTEODYSPLASTY OF MELNICK AND NEEDLES; Melnick-Needles Syndrome (FLNA-MNS). Identifiers: Orphanet 2484, MedGen C0025237, MONDO:0010650, OMIM 309350.

Submissions (2):

Labcorp Genetics (formerly Invitae), Labcorp
Classification: Uncertain significance for Oto-palato-digital syndrome, type II; Heterotopia, periventricular, X-linked dominant; Frontometaphyseal dysplasia; Melnick-Needles syndrome. Last evaluated: 2023-05-08. Review status: criteria provided, single submitter. Criteria: Invitae Variant Classification Sherloc (09022015). Collection method: clinical testing. Allele origin: germline.
Comment: This sequence change replaces cysteine, which is neutral and slightly polar, with arginine, which is basic and polar, at codon 444 of the FLNA protein (p.Cys444Arg). This variant is not present in population databases (gnomAD no frequency). This variant has not been reported in the literature in individuals affected with FLNA-related conditions. ClinVar contains an entry for this variant (Variation ID: 450275). Advanced modeling of protein sequence and biophysical properties (such as structural, functional, and spatial information, amino acid conservation, physicochemical variation, residue mobility, and thermodynamic stability) has been performed at Invitae for this missense variant, however the output from this modeling did not meet the statistical confidence thresholds required to predict the impact of this variant on FLNA protein function. In summary, the available evidence is currently insufficient to determine the role of this variant in disease. Therefore, it has been classified as a Variant of Uncertain Significance.

GeneDx
Classification: Uncertain significance. Last evaluated: 2017-07-01. Review status: criteria provided, single submitter. Criteria: GeneDx Variant Classification (06012015). Collection method: clinical testing. Allele origin: germline. Affected: yes.
Comment: The C444R variant in the FLNA gene has not been reported previously as a pathogenic variant, nor as a benign variant, to our knowledge. The C444R variant is not observed in large population cohorts (Lek et al., 2016; 1000 Genomes Consortium et al., 2015; Exome Variant Server). The C444R variant is a non-conservative amino acid substitution, which is likely to impact secondary protein structure as these residues differ in polarity, charge, size and/or other properties. This substitution occurs at a position that is conserved across species, and in silico analysis predicts this variant is probably damaging to the protein structure/function. We interpret C444R as a variant of uncertain significance.